The following is an entry in ClinVar:

NM_018026.4(PACS1):c.2221T>G (p.Ser741Ala)

Gene: PACS1 (phosphofurin acidic cluster sorting protein 1; plus strand). Cytogenetic location: 11q13.2.
Variant type: single nucleotide variant.
Coding change: c.2221T>G on transcript NM_018026.4 (MANE Select); coding-DNA position 2221, T replaced by G.
Protein change: p.Ser741Ala; replaces serine 741 with alanine.
Molecular consequence: missense variant.
Genome position (GRCh38, 1-based): chr11:66,235,911, T>G. VCF-style: chr11-66235911-T-G. GRCh37 (hg19) VCF-style: chr11-66003382-T-G.
Other names: short protein forms S741A.
Identifiers: ClinVar variation 4055973 (VCV004055973.1).

ClinVar aggregate classification (germline): Uncertain significance (1 of 4 stars; one submission).

Submission:

GeneDx
Classification: Uncertain significance. Last evaluated: 2025-01-02. Review status: criteria provided, single submitter. Criteria: GeneDx Variant Classification Process June 2021. Collection method: clinical testing. Allele origin: germline. Affected: yes.
Comment: Not observed at significant frequency in large population cohorts (gnomAD); In silico analysis supports that this missense variant has a deleterious effect on protein structure/function; Has not been previously published as pathogenic or benign to our knowledge